The following is an entry in ClinVar:

NM_000069.3(CACNA1S):c.4598T>C (p.Phe1533Ser)

Gene: CACNA1S (calcium voltage-gated channel subunit alpha1 S; minus strand). Cytogenetic location: 1q32.1.
Variant type: single nucleotide variant.
Coding change: c.4598T>C on transcript NM_000069.3 (MANE Select); coding-DNA position 4598, T replaced by C.
Protein change: p.Phe1533Ser; replaces phenylalanine 1533 with serine.
Molecular consequence: missense variant.
Genome position (GRCh38, 1-based): chr1:201,047,185, A>G on the plus strand (T>C on the coding strand, the complement: CACNA1S is on the minus strand). VCF-style: chr1-201047185-A-G. GRCh37 (hg19) VCF-style: chr1-201016313-A-G.
Other names: c.4598T>C (NM_000069.2); short protein forms F1533S.
Identifiers: ClinVar variation 1026411 (VCV001026411.10), dbSNP rs772750589, ClinGen allele CA083460.
Genomic context (GRCh38, chr1:201,047,185, plus strand): 5'-ACAATGTCCTTCTTGGGCCGATAGCCATAATACTCCTCTTGGCGTTTCATGAACTTCCGG[A>G]AGTGCTCCTGGATGAGGAATGTGGCGTAGAACTTCCCCACTGTCACCTCATCATCTGCAG-3'
Protein context (NP_000060.2, residues 1523-1543): FYATFLIQEH[Phe1533Ser]RKFMKRQEEY

ClinVar aggregate classification (germline): Conflicting classifications of pathogenicity. Review status: criteria provided, conflicting classifications (1 of 4 stars). 3 submissions from 3 submitters: Uncertain significance (2); Likely benign (1). Last evaluated 2024-10-18.

Conditions:
Malignant hyperthermia, susceptibility to, 5 (MHS5). Also called: CACNA1S-Related Malignant Hyperthermia Susceptibility. Identifiers: Orphanet 423, MedGen C1866077, MONDO:0011163, OMIM 601887.
Hypokalemic periodic paralysis, type 1. Also called: HypoPP; Hypokalemic Periodic Paralysis Type 1 (AD). Identifiers: Orphanet 681, MedGen C3714580, MONDO:0042979, OMIM 170400.

Allele frequency attached by ClinVar (database versions not stated): gnomAD 0.00001; gnomAD exomes 0.00001 and 0.00002; TOPMed 0.00001; ExAC 0.00002.

Submissions (3):

Labcorp Genetics (formerly Invitae), Labcorp
Classification: Likely benign for Hypokalemic periodic paralysis, type 1; Malignant hyperthermia, susceptibility to, 5. Last evaluated: 2024-10-18. Review status: criteria provided, single submitter. Criteria: Invitae Variant Classification Sherloc (09022015). Collection method: clinical testing. Allele origin: germline.

Color Diagnostics, LLC DBA Color Health
Classification: Uncertain significance for Malignant hyperthermia, susceptibility to, 5. Last evaluated: 2024-08-13. Review status: criteria provided, single submitter. Criteria: ACMG Guidelines, 2015. Collection method: clinical testing. Allele origin: germline.
Comment: This missense variant replaces phenylalanine with serine at codon 1533 of the CACNA1S protein. Computational prediction suggests that this variant may have deleterious impact on protein structure and function. To our knowledge, functional studies have not been reported for this variant. This variant has not been reported in individuals affected with CACNA1S-related disorders in the literature. This variant has been identified in 5/251492 chromosomes in the general population by the Genome Aggregation Database (gnomAD). The available evidence is insufficient to determine the role of this variant in disease conclusively. Therefore, this variant is classified as a Variant of Uncertain Significance.

GeneDx
Classification: Uncertain significance. Last evaluated: 2022-09-30. Review status: criteria provided, single submitter. Criteria: GeneDx Variant Classification Process June 2021. Collection method: clinical testing. Allele origin: germline. Affected: yes.
Comment: In silico analysis supports that this missense variant has a deleterious effect on protein structure/function; Has not been previously published as pathogenic or benign to our knowledge